The following is an entry in ClinVar:

NM_001267550.2(TTN):c.25023T>A (p.Ser8341Arg)

Gene: TTN (titin; minus strand). Cytogenetic location: 2q31.2.
Variant type: single nucleotide variant.
Coding change: c.25023T>A on transcript NM_001267550.2 (MANE Select); coding-DNA position 25023, T replaced by A.
Protein change: p.Ser8341Arg; replaces serine 8341 with arginine.
Molecular consequence: missense variant. On other transcripts: intron variant (3).
Genome position (GRCh38, 1-based): chr2:178,717,983, A>T on the plus strand (T>A on the coding strand, the complement: TTN is on the minus strand). VCF-style: chr2-178717983-A-T. GRCh37 (hg19) VCF-style: chr2-179582710-A-T.
Other names: c.24072T>A, p.Ser8024Arg (NM_001256850.1); c.21291T>A, p.Ser7097Arg (NM_133378.4); c.13282+20099T>A (NM_003319.4); c.13858+20099T>A (NM_133437.4); c.13657+20099T>A (NM_133432.3); short protein forms S8024R, S8341R, S7097R.
Identifiers: ClinVar variation 512968 (VCV000512968.1), dbSNP rs1221926854, ClinGen allele CA349490593.

ClinVar aggregate classification (germline): Likely benign (1 of 4 stars; one submission).

Allele frequency attached by ClinVar (database versions not stated): gnomAD exomes below 0.00001.
gnomAD v4.1: 1 of 1,613,522 alleles (0.000062%); highest among the groups gnomAD compares: Non-Finnish European, 0.000085%; no homozygotes.

Submission:

GeneDx
Classification: Likely benign. Last evaluated: 2017-10-27. Review status: criteria provided, single submitter. Criteria: GeneDx Variant Classification (06012015). Collection method: clinical testing. Allele origin: germline. Affected: yes.
Comment: This variant is considered likely benign or benign based on one or more of the following criteria: it is a conservative change, it occurs at a poorly conserved position in the protein, it is predicted to be benign by multiple in silico algorithms, and/or has population frequency not consistent with disease.